The following is an entry in ClinVar:

NM_031935.3(HMCN1):c.14016C>A (p.Asn4672Lys)

Gene: HMCN1 (hemicentin 1; plus strand). Cytogenetic location: 1q31.1.
Variant type: single nucleotide variant.
Coding change: c.14016C>A on transcript NM_031935.3 (MANE Select); coding-DNA position 14016, C replaced by A.
Protein change: p.Asn4672Lys; replaces asparagine 4672 with lysine.
Molecular consequence: missense variant.
Genome position (GRCh38, 1-based): chr1:186,144,264, C>A. VCF-style: chr1-186144264-C-A. GRCh37 (hg19) VCF-style: chr1-186113396-C-A.
Other names: short protein forms N4672K.
Identifiers: ClinVar variation 1715785 (VCV001715785.5), dbSNP rs1650143850, ClinGen allele CA343914585.

ClinVar aggregate classification (germline): Uncertain significance (1 of 4 stars; one submission).

Allele frequency attached by ClinVar (database versions not stated): gnomAD 0.00001.
gnomAD v4.1: 1 of 1,613,880 alleles (0.000062%); highest among the groups gnomAD compares: Non-Finnish European, 0.000085%; no homozygotes.

Submission:

Labcorp Genetics (formerly Invitae), Labcorp
Classification: Uncertain significance. Last evaluated: 2022-08-09. Review status: criteria provided, single submitter. Criteria: Invitae Variant Classification Sherloc (09022015). Collection method: clinical testing. Allele origin: germline.
Comment: This sequence change replaces asparagine, which is neutral and polar, with lysine, which is basic and polar, at codon 4672 of the HMCN1 protein (p.Asn4672Lys). In summary, the available evidence is currently insufficient to determine the role of this variant in disease. Therefore, it has been classified as a Variant of Uncertain Significance. Algorithms developed to predict the effect of missense changes on protein structure and function are either unavailable or do not agree on the potential impact of this missense change (SIFT: "Deleterious"; PolyPhen-2: "Benign"; Align-GVGD: "Class C15"). This variant has not been reported in the literature in individuals affected with HMCN1-related conditions. This variant is not present in population databases (gnomAD no frequency).